The following is an entry in ClinVar:

NM_004787.4(SLIT2):c.612-10T>C

Gene: SLIT2 (slit guidance ligand 2; plus strand). Cytogenetic location: 4p15.31.
Variant type: single nucleotide variant.
Coding change: c.612-10T>C on transcript NM_004787.4 (MANE Select); 10 bases into the intron before coding-DNA position 612, T replaced by C.
Molecular consequence: intron variant.
Genome position (GRCh38, 1-based): chr4:20,488,809, T>C. VCF-style: chr4-20488809-T-C. GRCh37 (hg19) VCF-style: chr4-20490432-T-C.
Other names: c.612-10T>C (NM_001289135.3, NM_001289136.3).
Identifiers: ClinVar variation 3050734 (VCV003050734.2), dbSNP rs74513378, ClinGen allele CA2871163.

ClinVar aggregate classification (germline): Likely benign (0 of 4 stars; one submission).

Conditions:
SLIT2-related disorder. Also called: SLIT2-related condition.

Allele frequency attached by ClinVar (database versions not stated): TOPMed 0.00001; gnomAD exomes 0.00003; ExAC 0.00008.
gnomAD v4.1: 45 of 1,562,500 alleles (0.0029%); highest among the groups gnomAD compares: East Asian, 0.096%; no homozygotes.

Submission:

PreventionGenetics, part of Exact Sciences
Classification: Likely benign for SLIT2-related condition. Last evaluated: 2019-02-21. Review status: no assertion criteria provided. Collection method: clinical testing. Allele origin: germline.
Comment: This variant is classified as likely benign based on ACMG/AMP sequence variant interpretation guidelines (Richards et al. 2015 PMID: 25741868, with internal and published modifications).